The following continues an entry in ClinVar:

NM_000304.4(PMP22):c.353C>T (p.Thr118Met)

Gene: PMP22. ClinVar aggregate classification (germline): Conflicting classifications of pathogenicity. Likely pathogenic (1); Uncertain significance (19); Benign (1); Likely benign (1).

Submissions 5 to 14 of 28:

Labcorp Genetics (formerly Invitae), Labcorp
Classification: Uncertain significance for Charcot-Marie-Tooth disease, type I. Last evaluated: 2026-01-26. Review status: criteria provided, single submitter. Criteria: Invitae Variant Classification Sherloc (09022015). Collection method: clinical testing. Allele origin: germline.
Comment: This sequence change replaces threonine, which is neutral and polar, with methionine, which is neutral and non-polar, at codon 118 of the PMP22 protein (p.Thr118Met). This variant is present in population databases (rs104894619, gnomAD 0.7%), and has an allele count higher than expected for a pathogenic variant. This variant has been reported in individuals and families with Charcot-Marie-Tooth disease type 1A (PMID: 16437560, 8988161, 8252046, 19691535, 21194947, 26392352). It has been reported as a dominantly inherited variant with reduced penetrance because both heterozygous affected (PMID: 21194947) and heterozygous unaffected individuals have been observed in several families (PMID: 8252046, 10586280). It has also been reported as a recessively inherited, partial loss of function allele based on observations of individuals with a more severe phenotype who presented as compound heterozygous for this allele along with a PMP22 deletion allele (PMID: 8252046, 26012543), and one individual with a more severe phenotype who was homozygous for this allele (PMID: 16437560). ClinVar contains an entry for this variant (Variation ID: 8431). An algorithm developed to predict the effect of missense changes on protein structure and function (PolyPhen-2) suggests that this variant is likely to be disruptive. Functional studies show this variant is retained in the cytoplasm, albeit to a lesser extent compared to other PMP22 variants (PMID: 10078969). In addition, it leads to altered nuclei with an apoptotic-like phenotype when expressed in COS cells but not when co-expressed with wild type PMP22, which could be consistent with a recessive mode of inheritance in contrast to other PMP22 variants (PMID: 7649472). In summary, this variant has been reported to be dominantly inherited in individuals with CMT1A and it has also been reported to be recessively inherited in individuals with CMT1A who have presented with a more severe phenotype. This variant has also been shown to mildly disrupt protein function. However, the pathogenicity of this variant is much debated because it is present at a high frequency in the general population and it has been observed in unaffected and affected individuals within the same family. For these reasons, it has been classified as a Variant of Uncertain Significance.

GeneDx
Classification: Uncertain significance. Last evaluated: 2025-11-18. Review status: criteria provided, single submitter. Criteria: GeneDx Variant Classification Process June 2021. Collection method: clinical testing. Allele origin: germline. Affected: yes.
Comment: Reported in an individual with CMT who had a pathogenic deletion of PMP22 on the opposite allele; the authors concluded p.(T118M) was likely an autosomal recessive allele because it was also identified in the individual's unaffected son (PMID: 8252046); It has been suggested that the p.(T118M) variant may modify disease severity in individuals with another PMP22 pathogenic variant (PMID: 26012543); In silico analysis supports that this missense variant has a deleterious effect on protein structure/function; This variant is associated with the following publications: (PMID: 23891399, 11081809, 26392352, 31471994, 31127728, 31357912, 20301566, 19067730, 21228398, 10078969, 7649472, 14502374, 28374912, 30675404, 30685714, 29655802, 27609586, 26102530, 31664448, 32513719, 32376792, 34426522, 26012543, 36581210, 19691535, 16437560, 10586280, 21194947, 8252046, 37703609, 36539320, 32719652, 36572685, 39333051, 40785373, Sreedevi2025[article], 38871447)

Athena Diagnostics
Classification: Uncertain significance. Last evaluated: 2025-10-08. Review status: criteria provided, single submitter. Criteria: Athena Diagnostics Criteria. Collection method: clinical testing. Allele origin: unknown.
Comment: Available data are insufficient to determine the clinical significance of the variant at this time. The frequency of this variant in the general population is higher than would generally be expected for pathogenic variants in this gene. This variant has been reported in multiple individuals with CMT1 and HNPP. It has also been identified in multiple asymptomatic individuals. In multiple individuals, this variant has been seen where an alternate explanation for disease was also identified. This variant does not segregate with disease in a manner consistent with dominant inheritance. Some literature suggests it may instead be a risk allele and/or partial loss of function variant (PMID: 10586280, 16437560, 19067730, 26012543, 36539320), thereby reducing severity of symptoms in patients with PMP22 duplications, while increasing severity in patients with PMP22 deletions. Other studies disagree with this interpretation (PMID: 11081809, 14502374). Assessment of experimental evidence suggests this variant results in abnormal protein function, however the effect seen in these assays was less severe than for known pathogenic variants in this gene (PMID: 36581210, 26102530, 10078969, 7649472).

Department of Paediatrics at Addenbrookes, Cambridge University Hospitals NHS Foundation Trust (UK)
Classification: Uncertain significance for Charcot-Marie-Tooth disease type 1E. Last evaluated: 2025-05-27. Review status: criteria provided, single submitter. Criteria: Durkie Uk Practice Guidelines For Variant Classification V12 2024 (1). Collection method: clinical testing. Allele origin: unknown.
Comment: PS3_Supporting; (PS4_Moderate); (PM3_Strong); PP2_Supporting; PP3_Supporting

Mayo Clinic Laboratories, Mayo Clinic
Classification: Uncertain significance. Last evaluated: 2025-04-29. Review status: criteria provided, single submitter. Criteria: ACMG Guidelines, 2015. Collection method: clinical testing. Allele origin: germline. Observed: 11 variant alleles.
Comment: BA1, BS2, BP5, PP3_strong, PS3_supporting

Blueprint Genetics
Classification: Uncertain significance. Last evaluated: 2024-11-25. Review status: criteria provided, single submitter. Criteria: ACMG Guidelines, 2015. Collection method: clinical testing. Allele origin: germline.

ARUP Laboratories, Molecular Genetics and Genomics, ARUP Laboratories
Classification: Uncertain significance. Last evaluated: 2024-09-17. Review status: criteria provided, single submitter. Criteria: ARUP Molecular Germline Variant Investigation Process 2024. Collection method: clinical testing. Allele origin: germline.
Comment: The PMP22 c.353C>T; p.Thr118Met variant (rs104894619) is reported in the literature in multiple individuals affected with Charcot-Marie-Tooth (CMT) disease and hereditary neuropathy with liability to pressure palsies (HNPP), although its clinical significance is controversial (Ho 2018, Keckarevic-Markovic 2009, Marques 2003, Nelis 1997, Roa 1993, Russo 2011, Seeman 1999, Shy 2006, Volodarsky 2021). Several reports of p.Thr118Met in affected families indicate possible recessive inheritance, as a more severe phenotype is observed in individuals carrying p.Thr118Met in trans to PMP22 deletions (Roa 1993), and at least one affected homozygote has been reported (Shy 2006). However, its inheritance pattern remains unclear, as both affected and unaffected heterozygous individuals have been also described (Ho 2018, Keckarevic-Markovic 2009, Nelis 1997, Roa 1993, Russo 2011). Further, in several families with both the p.Thr118Met variant and a pathogenic PMP22 duplication, the missense variant failed to segregate with disease (Marques 2003, Nelis 1997, Seeman 1999). The p.Thr118Met variant is found in the non-Finnish European population with an overall allele frequency of 0.66% (855/128884 alleles, including 3 homozygotes) in the Genome Aggregation Database (v2.1.1), which exceeds the estimated prevalence of CMT disease in the population (Theodom 2019). Computational analyses predict that this variant is deleterious (REVEL: 0.955). Consistent with predictions, functional studies indicate the variant protein fails to properly traffic to the plasma membrane (Schlebach 2015, Stefanski 2023). Due to conflicting information, and because a low penetrance effect cannot be ruled out, the clinical significance of the p.Thr118Met variant is uncertain at this time. References: Ho et al. T118M Variant of PMP22 Gene Presents with Painful Peripheral Neuropathy and Varying Charcot-Marie-Tooth Features: A Case Series and Review of the Literature. Case Rep Genet. 2018 Dec 25;2018:2618071. PMID: 30675404. Keckarevic-Markovic et al. Mutational analysis of GJB1, MPZ, PMP22, EGR2, and LITAF/SIMPLE in Serbian Charcot-Marie-Tooth patients. J Peripher Nerv Syst. 2009; 14(2): 125-136. PMID: 19691535. Marques et al. Thr(118)Met amino acid substitution in the peripheral myelin protein 22 does not influence the clinical phenotype of Charcot-Marie-Tooth disease type 1A due to the 17p11.2-p12 duplication. Braz J Med Biol Res. 2003; 36(10): 1403-1407. PMID: 14502374. Nelis et al. PMP22 Thr(118)Met: recessive CMT1 mutation or polymorphism? Nat Genet. 1997; 15(1): 13-14. PMID: 8988161. Roa et al. Evidence for a recessive PMP22 point mutation in Charcot-Marie-Tooth disease type 1A. Nat Genet. 1993; 5(2): 189-194. PMID: 8252046. Russo et al. Variable phenotypes are associated with PMP22 missense mutations. Neuromuscul Disord. 2011; 21(2): 106-114. PMID: 21194947. Schlebach et al. Conformational Stability and Pathogenic Misfolding of the Integral Membrane Protein PMP22. J Am Chem Soc. 2015; 137(27): 8758-8768. PMID: 26102530. Seeman et al. Charcot-Marie-Tooth 1A: heterozygous T118M mutation over a CMT1A duplication has no influence on the phenotype. Ann N Y Acad Sci. 1999; 883: 485-489. PMID: 10586280. Shy et al. T118M PMP22 mutation causes partial loss of function and HNPP-like neuropathy. Ann Neurol. 2006; 59(2): 358-364. PMID: 16437560. Stefanski KM et al. How T118M peripheral myelin protein 22 predisposes humans to Charcot-Marie-Tooth disease. J Biol Chem. 2023 Feb;299(2):102839. PMID: 36581210. Theadom et al. Prevalence of Charcot-Marie-Tooth disease across the lifespan: a population-based epidemiological study. BMJ Open. 2019 Jun 14;9(6):e029240. PMID: 31203252. Volodarsky et al. Comprehensive genetic sequence and copy number analysis for Charcot-Marie-Tooth disease in a Canadian cohort of 2517 patients. J Med Genet. 2021 Apr;58(4):284-288. PMID: 32376792.

Mendelics
Classification: Benign for Hereditary liability to pressure palsies. Last evaluated: 2023-08-22. Review status: criteria provided, single submitter. Criteria: Mendelics Assertion Criteria 2019. Collection method: clinical testing. Allele origin: germline.

Clinical Genetics Laboratory, Skane University Hospital Lund
Classification: Uncertain significance. Last evaluated: 2022-05-27. Review status: criteria provided, single submitter. Criteria: ACMG Guidelines, 2015. Collection method: clinical testing. Allele origin: germline. Affected: yes.

Revvity Omics, Revvity
Classification: Uncertain significance. Last evaluated: 2022-04-01. Review status: criteria provided, single submitter. Criteria: ACMG Guidelines, 2015. Collection method: clinical testing. Allele origin: germline.